The following is an entry in ClinVar:

ClinVar aggregate classification (germline): Uncertain significance (1 of 4 stars; one submission).

Submission:

GeneDx
Classification: Uncertain significance. Last evaluated: 2026-02-24. Review status: criteria provided, single submitter. Criteria: GeneDx Variant Classification Process June 2021. Collection method: clinical testing. Allele origin: germline.
Comment: Not observed at significant frequency in large population cohorts (gnomAD); In silico analysis suggests that this missense variant does not alter protein structure/function; Has not been previously published as pathogenic or benign to our knowledge

NM_022455.5(NSD1):c.1255A>G (p.Ser419Gly)

Gene: NSD1 (nuclear receptor binding SET domain protein 1; plus strand). Cytogenetic location: 5q35.3.
Variant type: single nucleotide variant.
Coding change: c.1255A>G on transcript NM_022455.5 (MANE Select); coding-DNA position 1255, A replaced by G.
Protein change: p.Ser419Gly; replaces serine 419 with glycine.
Molecular consequence: missense variant.
Genome position (GRCh38, 1-based): chr5:177,209,654, A>G. VCF-style: chr5-177209654-A-G. GRCh37 (hg19) VCF-style: chr5-176636655-A-G.
Other names: c.382A>G, p.Ser128Gly (NM_001365684.2, NM_001409306.1, NM_001409307.1 and 3 more transcripts); c.1255A>G, p.Ser419Gly (NM_001409301.1, NM_001409302.1, NM_001409303.1); c.835A>G, p.Ser279Gly (NM_001409304.1); c.502A>G, p.Ser168Gly (NM_001409305.1); short protein forms S128G, S168G, S279G, S419G.
Identifiers: ClinVar variation 5009963 (VCV005009963.1).